The following is an entry in ClinVar:

ClinVar aggregate classification (germline): Conflicting classifications of pathogenicity. Review status: criteria provided, conflicting classifications (1 of 4 stars). 7 submissions from 7 submitters: Uncertain significance (2); Likely benign (2). 3 of the submissions do not count toward it. Last evaluated 2026-03-10.

Conditions:
EYS-related disorder. Also called: EYS-related condition.
Retinitis pigmentosa 25 (RP25). Identifiers: Orphanet 791, MedGen C1864446, MONDO:0011272, OMIM 602772.

Allele frequency attached by ClinVar (database versions not stated): gnomAD exomes 0.00008 and 0.00022; ExAC 0.00026; ESP Exome Variant Server 0.00046; gnomAD 0.00072 and 0.00077; TOPMed 0.00080; 1000 Genomes Project 0.00120; 1000 Genomes Project 30x 0.00125.
gnomAD v4.1: 224 of 1,612,168 alleles (0.014%); highest among the groups gnomAD compares: African/African-American, 0.27%; 2 homozygotes.

Submissions (7):

PreventionGenetics, part of Exact Sciences
Classification: Uncertain significance for EYS-related condition. Last evaluated: 2026-03-10. Review status: criteria provided, single submitter. Criteria: ACMG Guidelines, 2015. Collection method: clinical testing. Allele origin: germline.
Comment: The EYS c.1660T>A variant is predicted to result in the amino acid substitution p.Cys554Ser. This variant has been reported along with a second benign EYS variant in an individual with rod cone dystrophy (Fadaie et al. 2021. PubMed ID: 34795310). This variant is reported in 0.31% of alleles in individuals of African descent in gnomAD, which is too common to be a primary cause of disease. Although we suspect that this variant may be benign, at this time, the clinical significance of this variant is uncertain due to the absence of conclusive functional and genetic evidence.

Labcorp Genetics (formerly Invitae), Labcorp
Classification: Likely benign. Last evaluated: 2026-01-13. Review status: criteria provided, single submitter. Criteria: Invitae Variant Classification Sherloc (09022015). Collection method: clinical testing. Allele origin: germline.

Blueprint Genetics
Classification: Likely benign. Last evaluated: 2023-07-06. Review status: criteria provided, single submitter. Criteria: ACMG Guidelines, 2015. Collection method: clinical testing. Allele origin: germline.

Eurofins Ntd Llc (ga)
Classification: Uncertain significance. Last evaluated: 2016-04-13. Review status: criteria provided, single submitter. Criteria: EGL Classification Definitions 2015. Collection method: clinical testing. Allele origin: germline. Observed: 1 variant allele, 1 heterozygote.

Natera, Inc.
Classification: Likely benign for Retinitis pigmentosa type 25. Last evaluated: 2019-10-28. Review status: no assertion criteria provided. Collection method: clinical testing. Allele origin: germline. Not counted in ClinVar's aggregate classification.

Clinical Genetics DNA and cytogenetics Diagnostics Lab, Erasmus MC, Erasmus Medical Center
Classification: Uncertain significance. Review status: no assertion criteria provided. Collection method: clinical testing. Allele origin: germline. Affected: yes. Study: VKGL Data-share Consensus. Not counted in ClinVar's aggregate classification.

Joint Genome Diagnostic Labs from Nijmegen and Maastricht, Radboudumc and MUMC+
Classification: Uncertain significance. Review status: no assertion criteria provided. Collection method: clinical testing. Allele origin: germline. Affected: yes. Study: VKGL Data-share Consensus. Not counted in ClinVar's aggregate classification.

NM_001142800.2(EYS):c.1660T>A (p.Cys554Ser)

Gene: EYS (EGF-like photoreceptor maintenance factor; minus strand). Cytogenetic location: 6q12.
Variant type: single nucleotide variant.
Coding change: c.1660T>A on transcript NM_001142800.2 (MANE Select); coding-DNA position 1660, T replaced by A.
Protein change: p.Cys554Ser; replaces cysteine 554 with serine.
Molecular consequence: missense variant.
Genome position (GRCh38, 1-based): chr6:65,335,086, A>T on the plus strand (T>A on the coding strand, the complement: EYS is on the minus strand). VCF-style: chr6-65335086-A-T. GRCh37 (hg19) VCF-style: chr6-66044979-A-T.
Other names: c.1660T>A, p.Cys554Ser (NM_001142801.2, NM_001292009.2, NM_198283.2); short protein forms C554S.
Identifiers: ClinVar variation 287293 (VCV000287293.20), dbSNP rs145102275, ClinGen allele CA3877651.